The following is an entry in ClinVar:

NM_001909.5(CTSD):c.240C>T (p.Tyr80=)

Gene: CTSD (cathepsin D; minus strand). Cytogenetic location: 11p15.5.
Variant type: single nucleotide variant.
Coding change: c.240C>T on transcript NM_001909.5 (MANE Select); coding-DNA position 240, C replaced by T.
Protein change: p.Tyr80=; no amino-acid change (tyrosine 80 retained).
Molecular consequence: synonymous variant.
Genome position (GRCh38, 1-based): chr11:1,759,628, G>A on the plus strand (C>T on the coding strand, the complement: CTSD is on the minus strand). VCF-style: chr11-1759628-G-A. GRCh37 (hg19) VCF-style: chr11-1780858-G-A.
Other names: p.Y80Y:TAC>TAT.
Identifiers: ClinVar variation 137050 (VCV000137050.24), dbSNP rs147641822, ClinGen allele CA290540.

ClinVar aggregate classification (germline): Conflicting classifications of pathogenicity. Review status: criteria provided, conflicting classifications (1 of 4 stars). 6 submissions from 6 submitters: Uncertain significance (1); Benign (1); Likely benign (3). 1 of the submissions does not count toward it. Last evaluated 2026-01-21.

Conditions:
CTSD-related disorder. Also called: CTSD-related condition.
Inborn genetic diseases. Identifiers: MedGen C0950123, MeSH D030342.
Neuronal ceroid lipofuscinosis. Also called: Neuronal Ceroid Lipofuscinoses. Identifiers: Orphanet 216, Orphanet 79263, MedGen C0027877, MONDO:0016295. Disease mechanism: loss of function.
Neuronal ceroid lipofuscinosis 10 (CLN10). Also called: NEURONAL CEROID LIPOFUSCINOSIS DUE TO CATHEPSIN D DEFICIENCY; CTSD-Related Neuronal Ceroid-Lipofuscinosis. Identifiers: Orphanet 228337, MedGen C1864669, MONDO:0012414, OMIM 610127.

Allele frequency attached by ClinVar (database versions not stated): ExAC 0.00010; gnomAD exomes 0.00012 and 0.00020; TOPMed 0.00017; gnomAD 0.00019; ESP Exome Variant Server 0.00023.
gnomAD v4.1: 338 of 1,613,196 alleles (0.021%); highest among the groups gnomAD compares: Non-Finnish European, 0.025%; no homozygotes.

Submissions (6):

Labcorp Genetics (formerly Invitae), Labcorp
Classification: Likely benign for Neuronal ceroid lipofuscinosis. Last evaluated: 2026-01-21. Review status: criteria provided, single submitter. Criteria: Invitae Variant Classification Sherloc (09022015). Collection method: clinical testing. Allele origin: germline.

Blueprint Genetics
Classification: Likely benign. Last evaluated: 2024-11-13. Review status: criteria provided, single submitter. Criteria: ACMG Guidelines, 2015. Collection method: clinical testing. Allele origin: germline.

Illumina Laboratory Services, Illumina
Classification: Uncertain significance for Neuronal ceroid lipofuscinosis 10. Last evaluated: 2018-01-12. Review status: criteria provided, single submitter. Criteria: ICSL Variant Classification Criteria 13 December 2019. Collection method: clinical testing. Allele origin: germline.

Ambry Genetics
Classification: Likely benign for Inborn genetic diseases. Last evaluated: 2016-11-21. Review status: criteria provided, single submitter. Criteria: Ambry Variant Classification Scheme 2023. Collection method: clinical testing. Allele origin: germline.

GeneDx
Classification: Benign. Last evaluated: 2014-03-26. Review status: criteria provided, single submitter. Criteria: GeneDx Variant Classification (06012015). Collection method: clinical testing. Allele origin: germline. Affected: yes.
Comment: This variant is considered likely benign or benign based on one or more of the following criteria: it is a conservative change, it occurs at a poorly conserved position in the protein, it is predicted to be benign by multiple in silico algorithms, and/or has population frequency not consistent with disease.

PreventionGenetics, part of Exact Sciences
Classification: Likely benign for CTSD-related condition. Last evaluated: 2019-11-22. Review status: no assertion criteria provided. Collection method: clinical testing. Allele origin: germline. Not counted in ClinVar's aggregate classification.
Comment: This variant is classified as likely benign based on ACMG/AMP sequence variant interpretation guidelines (Richards et al. 2015 PMID: 25741868, with internal and published modifications).